The following is an entry in ClinVar:

NM_001004334.4(GPR179):c.599G>A (p.Arg200Gln)

Gene: GPR179 (G protein-coupled receptor 179; minus strand). Cytogenetic location: 17q12.
Variant type: single nucleotide variant.
Coding change: c.599G>A on transcript NM_001004334.4 (MANE Select); coding-DNA position 599, G replaced by A.
Protein change: p.Arg200Gln; replaces arginine 200 with glutamine.
Molecular consequence: missense variant.
Genome position (GRCh38, 1-based): chr17:38,343,191, C>T on the plus strand (G>A on the coding strand, the complement: GPR179 is on the minus strand). VCF-style: chr17-38343191-C-T. GRCh37 (hg19) VCF-style: chr17-36499074-C-T.
Other names: c.599G>A (NM_001004334.2); short protein forms R200Q.
Identifiers: ClinVar variation 1903468 (VCV001903468.6), dbSNP rs369594894, ClinGen allele CA290111475.
Genomic context (GRCh38, chr17:38,343,191, plus strand): 5'-TATCCATCTGCCTGCGGCCACTTGGGGCTGCCGAGGCTCCCTAGGTCATTGGTCAACACT[C>T]GCTTCTTCAGGGCAGGGGTGTCCAGGTCCCCAGGAGGGTTCTCCTCCTGCACCCAGTTCC-3'
Protein context (NP_001004334.3, residues 190-210): GDLDTPALKK[Arg200Gln]VLTNDLGSLG

ClinVar aggregate classification (germline): Uncertain significance. Review status: criteria provided, multiple submitters, no conflicts (2 of 4 stars). 3 submissions from 3 submitters: Uncertain significance (3). Last evaluated 2025-09-22.

Conditions:
Inborn genetic diseases. Identifiers: MedGen C0950123, MeSH D030342.

Allele frequency attached by ClinVar (database versions not stated): ExAC 0.00002; gnomAD 0.00002; ESP Exome Variant Server 0.00008.

Submissions (3):

Ambry Genetics
Classification: Uncertain significance for Inborn genetic diseases. Last evaluated: 2025-09-22. Review status: criteria provided, single submitter. Criteria: Ambry Variant Classification Scheme 2023. Collection method: clinical testing. Allele origin: germline.

Blueprint Genetics
Classification: Uncertain significance. Last evaluated: 2024-10-01. Review status: criteria provided, single submitter. Criteria: ACMG Guidelines, 2015. Collection method: clinical testing. Allele origin: germline.

Labcorp Genetics (formerly Invitae), Labcorp
Classification: Uncertain significance. Last evaluated: 2022-02-21. Review status: criteria provided, single submitter. Criteria: Invitae Variant Classification Sherloc (09022015). Collection method: clinical testing. Allele origin: germline.
Comment: This sequence change replaces arginine, which is basic and polar, with glutamine, which is neutral and polar, at codon 200 of the GPR179 protein (p.Arg200Gln). This variant is present in population databases (rs369594894, gnomAD 0.006%). This variant has not been reported in the literature in individuals affected with GPR179-related conditions. Algorithms developed to predict the effect of missense changes on protein structure and function are either unavailable or do not agree on the potential impact of this missense change (SIFT: "Deleterious"; PolyPhen-2: "Probably Damaging"; Align-GVGD: "Class C0"). In summary, the available evidence is currently insufficient to determine the role of this variant in disease. Therefore, it has been classified as a Variant of Uncertain Significance.